The following is an entry in ClinVar:

NM_153603.4(COG7):c.1825G>A (p.Gly609Arg)

Gene: COG7 (component of oligomeric golgi complex 7; minus strand). Cytogenetic location: 16p12.2.
Variant type: single nucleotide variant.
Coding change: c.1825G>A on transcript NM_153603.4 (MANE Select); coding-DNA position 1825, G replaced by A.
Protein change: p.Gly609Arg; replaces glycine 609 with arginine.
Molecular consequence: missense variant.
Genome position (GRCh38, 1-based): chr16:23,398,108, C>T on the plus strand (G>A on the coding strand, the complement: COG7 is on the minus strand). VCF-style: chr16-23398108-C-T. GRCh37 (hg19) VCF-style: chr16-23409429-C-T.
Other names: p.Gly609Arg; c.1825G>A (NM_153603.3); short protein forms G609R.
Identifiers: ClinVar variation 1493097 (VCV001493097.5), dbSNP rs369854088, ClinGen allele CA7960859.

ClinVar aggregate classification (germline): Uncertain significance. Review status: criteria provided, multiple submitters, no conflicts (2 of 4 stars). 3 submissions from 3 submitters: Uncertain significance (3). Last evaluated 2025-07-02.

Conditions:
COG7 congenital disorder of glycosylation (CDG2E). Also called: CDG IIe; CONGENITAL DISORDER OF GLYCOSYLATION, TYPE IIe. Identifiers: Orphanet 79333, MedGen C2931010, MONDO:0012118, OMIM 608779.
Inborn genetic diseases. Identifiers: MedGen C0950123, MeSH D030342.

Allele frequency attached by ClinVar (database versions not stated): ExAC 0.00001; gnomAD 0.00001 and 0.00002; gnomAD exomes 0.00001; TOPMed 0.00001; ESP Exome Variant Server 0.00008.
gnomAD v4.1: 27 of 1,614,088 alleles (0.0017%); highest among the groups gnomAD compares: East Asian, 0.0022%; no homozygotes.

Submissions (3):

Mayo Clinic Laboratories, Mayo Clinic
Classification: Uncertain significance. Last evaluated: 2025-07-02. Review status: criteria provided, single submitter. Criteria: ACMG Guidelines, 2015. Collection method: clinical testing. Allele origin: germline. Observed: 1 variant allele.
Comment: BP4, PM2_supporting

Ambry Genetics
Classification: Uncertain significance for Inborn genetic diseases. Last evaluated: 2023-12-11. Review status: criteria provided, single submitter. Criteria: Ambry Variant Classification Scheme 2023. Collection method: clinical testing. Allele origin: germline.

Labcorp Genetics (formerly Invitae), Labcorp
Classification: Uncertain significance for COG7 congenital disorder of glycosylation. Last evaluated: 2022-07-05. Review status: criteria provided, single submitter. Criteria: Invitae Variant Classification Sherloc (09022015). Collection method: clinical testing. Allele origin: germline.
Comment: This sequence change replaces glycine, which is neutral and non-polar, with arginine, which is basic and polar, at codon 609 of the COG7 protein (p.Gly609Arg). This variant is present in population databases (rs369854088, gnomAD 0.003%). This variant has not been reported in the literature in individuals affected with COG7-related conditions. ClinVar contains an entry for this variant (Variation ID: 1493097). Algorithms developed to predict the effect of missense changes on protein structure and function are either unavailable or do not agree on the potential impact of this missense change (SIFT: "Deleterious"; PolyPhen-2: "Probably Damaging"; Align-GVGD: "Class C0"). Algorithms developed to predict the effect of sequence changes on RNA splicing suggest that this variant may disrupt the consensus splice site. In summary, the available evidence is currently insufficient to determine the role of this variant in disease. Therefore, it has been classified as a Variant of Uncertain Significance.